The following is an entry in ClinVar:

NM_000443.4(ABCB4):c.1295G>A (p.Gly432Asp)

Gene: ABCB4 (ATP binding cassette subfamily B member 4; minus strand). Cytogenetic location: 7q21.12.
Variant type: single nucleotide variant.
Coding change: c.1295G>A on transcript NM_000443.4 (MANE Select); coding-DNA position 1295, G replaced by A.
Protein change: p.Gly432Asp; replaces glycine 432 with aspartic acid.
Molecular consequence: missense variant.
Genome position (GRCh38, 1-based): chr7:87,443,380, C>T on the plus strand (G>A on the coding strand, the complement: ABCB4 is on the minus strand). VCF-style: chr7-87443380-C-T. GRCh37 (hg19) VCF-style: chr7-87072696-C-T.
Other names: c.1295G>A, p.Gly432Asp (NM_018849.3, NM_018850.3); short protein forms G432D.
Identifiers: ClinVar variation 4846471 (VCV004846471.1).
Genomic context (GRCh38, chr7:87,443,380, plus strand): 5'-GTGCCCTCATCAGGGTCATAGAGCCTCTGTATCAGCTGGACCGTTGTGCTCTTCCCACAG[C>T]CACTACTTCCAACCAGGGCCACCGTCTGCCCACTCTGCACCTTCAGGTTGAGGCCCTTCA-3'
Protein context (NP_000434.1, residues 422-442): GQTVALVGSS[Gly432Asp]CGKSTTVQLI

ClinVar aggregate classification (germline): Uncertain significance (1 of 4 stars; one submission).

Conditions:
Familial intrahepatic cholestasis. Identifiers: Orphanet 284385, MedGen CN296401, MONDO:0017290.

Submission:

Genomenon, Inc
Classification: Uncertain significance for Familial intrahepatic cholestasis. Last evaluated: 2026-04-14. Review status: criteria provided, single submitter. Criteria: Genomenon Sequence Variant Interpretation Standards - Updated. Collection method: curation. Allele origin: germline. Affected: yes.
Comment: ABCB4 p.Gly432Asp (c.1295G>A) is a missense variant that changes the amino acid at residue 432 from Glycine to Aspartic acid. This variant has been observed in at least one proband with an ABCB4-related disorder (PMID:37701337). It is absent or not present at a significant frequency in gnomAD. In silico models predict that this variant is possibly or probably damaging. In conclusion, we classify ABCB4 p.Gly432Asp (c.1295G>A) as a variant of uncertain significance.

Literature cited by the submitters: PubMed 37701337.